The following is an entry in ClinVar:

NM_052876.4(NACC1):c.1171G>A (p.Ala391Thr)

Gene: NACC1 (nucleus accumbens associated 1; plus strand). Cytogenetic location: 19p13.13.
Variant type: single nucleotide variant.
Coding change: c.1171G>A on transcript NM_052876.4 (MANE Select); coding-DNA position 1171, G replaced by A.
Protein change: p.Ala391Thr; replaces alanine 391 with threonine.
Molecular consequence: missense variant.
Genome position (GRCh38, 1-based): chr19:13,137,321, G>A. VCF-style: chr19-13137321-G-A. GRCh37 (hg19) VCF-style: chr19-13248135-G-A.
Other names: short protein forms A391T.
Identifiers: ClinVar variation 4743520 (VCV004743520.1).
Genomic context (GRCh38, chr19:13,137,321, plus strand): 5'-CTCTCACCAGGCACCAACGTGTACATCACAAGGGCGCAGCTGATGAACTGCCACGTCAGC[G>A]CAGGCACGCGGCACAAGGTCCTACTGCGGCGGCTCCTGGCCTCCTTCTTTGACCGGTAAG-3'
Protein context (NP_443108.1, residues 381-401): RAQLMNCHVS[Ala391Thr]GTRHKVLLRR

ClinVar aggregate classification (germline): Uncertain significance (1 of 4 stars; one submission).

gnomAD v4.1: 1 of 1,613,850 alleles (0.000062%); highest among the groups gnomAD compares: Non-Finnish European, 0.000085%; no homozygotes.

Submission:

Labcorp Genetics (formerly Invitae), Labcorp
Classification: Uncertain significance. Last evaluated: 2025-08-15. Review status: criteria provided, single submitter. Criteria: Invitae Variant Classification Sherloc (09022015). Collection method: clinical testing. Allele origin: germline.
Comment: This sequence change replaces alanine, which is neutral and non-polar, with threonine, which is neutral and polar, at codon 391 of the NACC1 protein (p.Ala391Thr). This variant is present in population databases (rs370917305, gnomAD 0.002%). This variant has not been reported in the literature in individuals affected with NACC1-related conditions. Invitae Evidence Modeling of protein sequence and biophysical properties (such as structural, functional, and spatial information, amino acid conservation, physicochemical variation, residue mobility, and thermodynamic stability) indicates that this missense variant is not expected to disrupt NACC1 protein function with a negative predictive value of 80%. In summary, the available evidence is currently insufficient to determine the role of this variant in disease. Therefore, it has been classified as a Variant of Uncertain Significance.